The following is an entry in ClinVar:

ClinVar aggregate classification (germline): Uncertain significance (1 of 4 stars; one submission).

Allele frequency attached by ClinVar (database versions not stated): ExAC 0.00001; gnomAD 0.00001; gnomAD exomes 0.00001; 1000 Genomes Project 30x 0.00016; 1000 Genomes Project 0.00020.

Submission:

Labcorp Genetics (formerly Invitae), Labcorp
Classification: Uncertain significance. Last evaluated: 2021-03-24. Review status: criteria provided, single submitter. Criteria: Invitae Variant Classification Sherloc (09022015). Collection method: clinical testing. Allele origin: germline.
Comment: This variant is present in population databases (rs199576985, ExAC 0.01%). This sequence change replaces methionine with isoleucine at codon 1890 of the HTT protein (p.Met1890Ile). The methionine residue is moderately conserved and there is a small physicochemical difference between methionine and isoleucine. This variant has not been reported in the literature in individuals with HTT-related conditions. In summary, the available evidence is currently insufficient to determine the role of this variant in disease. Therefore, it has been classified as a Variant of Uncertain Significance. Experimental studies and prediction algorithms are not available or were not evaluated, and the functional significance of this variant is currently unknown.

NM_001388492.1(HTT):c.5664G>A (p.Met1888Ile)

Gene: HTT (huntingtin; plus strand). Cytogenetic location: 4p16.3.
Variant type: single nucleotide variant.
Coding change: c.5664G>A on transcript NM_001388492.1 (MANE Select); coding-DNA position 5664, G replaced by A.
Protein change: p.Met1888Ile; replaces methionine 1888 with isoleucine.
Molecular consequence: missense variant.
Genome position (GRCh38, 1-based): chr4:3,204,094, G>A. VCF-style: chr4-3204094-G-A. GRCh37 (hg19) VCF-style: chr4-3205821-G-A.
Other names: c.5670G>A, p.Met1890Ile (NM_002111.8); short protein forms M1888I, M1890I.
Identifiers: ClinVar variation 1420044 (VCV001420044.6), dbSNP rs199576985, ClinGen allele CA2824787.